The following is an entry in ClinVar:

NM_001267550.2(TTN):c.54812-1G>A

Genes: TTN (titin; minus strand), TTN-AS1 (TTN antisense RNA 1; plus strand). Cytogenetic location: 2q31.2.
Variant type: single nucleotide variant.
Coding change: c.54812-1G>A on transcript NM_001267550.2 (MANE Select); the canonical splice acceptor site of the intron before coding-DNA position 54812, G replaced by A.
Molecular consequence: splice acceptor variant.
Genome position (GRCh38, 1-based): chr2:178,602,591, C>T on the plus strand (G>A on the coding strand, the complement: TTN is on the minus strand). VCF-style: chr2-178602591-C-T. GRCh37 (hg19) VCF-style: chr2-179467318-C-T.
Other names: c.27617-1G>A (NM_003319.4); c.28193-1G>A (NM_133437.4); c.27992-1G>A (NM_133432.3); c.47108-1G>A (NM_133378.4); c.49889-1G>A (NM_001256850.1).
Identifiers: ClinVar variation 1879502 (VCV001879502.29), dbSNP rs1416873295, ClinGen allele CA349547322.
Genomic context (GRCh38, chr2:178,602,591, plus strand): 5'-GTGAGATGCTTGACTTCGTTTTATCTTTAACTTCTGGGCAAGAAGGTGGCCCCGGTGGAA[C>T]TAATAACAAAAGAAAAAAAAAAGCTTCATCAGATTTTGAAGCTGATGAAGTGCTGGAGTC-3'

ClinVar aggregate classification (germline): Likely pathogenic (1 of 4 stars; one submission).

Submission:

CeGaT Center for Human Genetics Tuebingen
Classification: Likely pathogenic. Last evaluated: 2022-11-01. Review status: criteria provided, single submitter. Criteria: CeGaT Center For Human Genetics Tuebingen Variant Classification Criteria Version 2. Collection method: clinical testing. Allele origin: germline. Affected: yes. Observed: 1 variant allele.
Comment: TTN: PVS1:Strong, PM2